The following is an entry in ClinVar:

ClinVar aggregate classification (germline): Benign/Likely benign. Review status: criteria provided, multiple submitters, no conflicts (2 of 4 stars). 3 submissions from 3 submitters: Benign (2); Likely benign (1). Last evaluated 2026-09-01.

Allele frequency attached by ClinVar (database versions not stated): gnomAD exomes 0.00048; ExAC 0.00060; ESP Exome Variant Server 0.00177; TOPMed 0.00196; 1000 Genomes Project 30x 0.00203; gnomAD 0.00207; 1000 Genomes Project 0.00240.
gnomAD v4.1: 539 of 1,614,150 alleles (0.033%); highest among the groups gnomAD compares: African/African-American, 0.61%; 6 homozygotes.

Submissions (3):

CeGaT Center for Human Genetics Tuebingen
Classification: Likely benign. Last evaluated: 2026-09-01. Review status: criteria provided, single submitter. Criteria: CeGaT Center For Human Genetics Tuebingen Variant Classification Criteria Version 2. Collection method: clinical testing. Allele origin: germline. Affected: yes. Observed: 3 variant alleles.
Comment: CASP2: BP4, BP7

Labcorp Genetics (formerly Invitae), Labcorp
Classification: Benign. Last evaluated: 2018-03-30. Review status: criteria provided, single submitter. Criteria: Invitae Variant Classification Sherloc (09022015). Collection method: clinical testing. Allele origin: germline.

Breakthrough Genomics
Classification: Benign. Review status: criteria provided, single submitter. Criteria: ACMG Guidelines, 2015. Collection method: not provided. Allele origin: germline. Inheritance: Unknown mechanism. Affected: yes.

NM_032982.4(CASP2):c.1161C>T (p.Ile387=)

Gene: CASP2 (caspase 2; plus strand). Cytogenetic location: 7q34.
Variant type: single nucleotide variant.
Coding change: c.1161C>T on transcript NM_032982.4 (MANE Select); coding-DNA position 1161, C replaced by T.
Protein change: p.Ile387=; no amino-acid change (isoleucine 387 retained).
Molecular consequence: synonymous variant. On other transcripts: 3 prime UTR variant (2).
Genome position (GRCh38, 1-based): chr7:143,304,717, C>T. VCF-style: chr7-143304717-C-T. GRCh37 (hg19) VCF-style: chr7-143001810-C-T.
Other names: c.*190C>T (NM_001224.5); c.*616C>T (NM_032983.4).
Identifiers: ClinVar variation 710252 (VCV000710252.11), dbSNP rs142190608, ClinGen allele CA4536701.